The following is an entry in ClinVar:

ClinVar aggregate classification (germline): Conflicting classifications of pathogenicity. Review status: criteria provided, conflicting classifications (1 of 4 stars). 3 submissions from 3 submitters: Uncertain significance (1); Likely benign (2). Last evaluated 2026-06-01.

Conditions:
Autosomal dominant nonsyndromic hearing loss 20. Identifiers: Orphanet 90635, MedGen C1858172, MONDO:0011480, OMIM 604717.
Baraitser-winter syndrome 2. Identifiers: Orphanet 2995, MedGen C3281235, MONDO:0013812, OMIM 614583.

Allele frequency attached by ClinVar (database versions not stated): gnomAD 0.00001; gnomAD exomes 0.00003 and 0.00004; ExAC 0.00004.
gnomAD v4.1: 66 of 1,613,924 alleles (0.0041%); highest among the groups gnomAD compares: Admixed American, 0.0083%; no homozygotes.

Submissions (3):

CeGaT Center for Human Genetics Tuebingen
Classification: Uncertain significance. Last evaluated: 2026-06-01. Review status: criteria provided, single submitter. Criteria: CeGaT Center For Human Genetics Tuebingen Variant Classification Criteria Version 2. Collection method: clinical testing. Allele origin: germline. Affected: yes. Observed: 1 variant allele.
Comment: ACTG1: PM2, BP4

Labcorp Genetics (formerly Invitae), Labcorp
Classification: Likely benign for Baraitser-winter syndrome 2; Autosomal dominant nonsyndromic hearing loss 20. Last evaluated: 2024-02-28. Review status: criteria provided, single submitter. Criteria: Invitae Variant Classification Sherloc (09022015). Collection method: clinical testing. Allele origin: germline.

Blueprint Genetics
Classification: Likely benign. Last evaluated: 2024-02-14. Review status: criteria provided, single submitter. Criteria: ACMG Guidelines, 2015. Collection method: clinical testing. Allele origin: germline.

NM_001614.5(ACTG1):c.803-5C>T

Gene: ACTG1 (actin gamma 1; minus strand). Cytogenetic location: 17q25.3.
Variant type: single nucleotide variant.
Coding change: c.803-5C>T on transcript NM_001614.5 (MANE Select); 5 bases into the intron before coding-DNA position 803, C replaced by T.
Molecular consequence: intron variant.
Genome position (GRCh38, 1-based): chr17:81,511,113, G>A on the plus strand (C>T on the coding strand, the complement: ACTG1 is on the minus strand). VCF-style: chr17-81511113-G-A. GRCh37 (hg19) VCF-style: chr17-79478139-G-A.
Other names: c.803-5C>T (NM_001199954.3).
Identifiers: ClinVar variation 1613710 (VCV001613710.11), dbSNP rs551818809, ClinGen allele CA8835940.